The following is an entry in ClinVar:

NM_001943.5(DSG2):c.3167C>T (p.Thr1056Ile)

Genes: DSG2 (desmoglein 2; plus strand), DSG2-AS1 (DSG2 antisense RNA 1; minus strand). Cytogenetic location: 18q12.1.
Variant type: single nucleotide variant.
Coding change: c.3167C>T on transcript NM_001943.5 (MANE Select); coding-DNA position 3167, C replaced by T.
Protein change: p.Thr1056Ile; replaces threonine 1056 with isoleucine.
Molecular consequence: missense variant.
Genome position (GRCh38, 1-based): chr18:31,546,553, C>T. VCF-style: chr18-31546553-C-T. GRCh37 (hg19) VCF-style: chr18-29126516-C-T.
Other names: p.T1056I:ACT>ATT; short protein forms T1056I.
Identifiers: ClinVar variation 199821 (VCV000199821.28), dbSNP rs767538450, ClinGen allele CA022004.

ClinVar aggregate classification (germline): Uncertain significance. Review status: criteria provided, multiple submitters, no conflicts (2 of 4 stars). 9 submissions from 9 submitters: Uncertain significance (9). Last evaluated 2026-01-07.

Conditions:
Cardiovascular phenotype. Identifiers: MedGen CN230736.
Arrhythmogenic right ventricular dysplasia 10. Also called: Arrhythmogenic right ventricular dysplasia/cardiomyopathy, type 10; Arrhythmogenic Right Ventricular Dysplasia/Cardiomyopathy10; ARRHYTHMOGENIC RIGHT VENTRICULAR DYSPLASIA, FAMILIAL, 10. Identifiers: MedGen C1857777, MONDO:0012434, OMIM 610193.
Dilated cardiomyopathy 1BB (CMD1BB). Also called: CARDIOMYOPATHY, DILATED, 1BB, SUSCEPTIBILITY TO. Identifiers: Orphanet 154, MedGen C2752072, MONDO:0013030, OMIM 612877.
Arrhythmogenic right ventricular cardiomyopathy (ARVD). Also called: Arrhythmogenic cardiomyopathy; Arrhythmogenic Right Ventricular Cardiomyopathy (ARVC); Cardiomyopathy, ARVC; Arrhythmogenic right ventricular dysplasia. Identifiers: Orphanet 247, MedGen C0349788, MeSH D019571, MONDO:0016587. Disease mechanism: loss of function. Inheritance: Various modes of inheritance.
Cardiomyopathy (CMYO). Also called: Cardiomyopathies. Identifiers: Orphanet 167848, MedGen C0878544, MONDO:0004994, HP:0001638. Inheritance: Various modes of inheritance.

Allele frequency attached by ClinVar (database versions not stated): gnomAD exomes 0.00002 and 0.00008; gnomAD 0.00003 and 0.00004; TOPMed 0.00006.
gnomAD v4.1: 119 of 1,614,096 alleles (0.0074%); highest among the groups gnomAD compares: Non-Finnish European, 0.0098%; no homozygotes.

Submissions (9):

Labcorp Genetics (formerly Invitae), Labcorp
Classification: Uncertain significance for Arrhythmogenic right ventricular dysplasia 10. Last evaluated: 2026-01-07. Review status: criteria provided, single submitter. Criteria: Invitae Variant Classification Sherloc (09022015). Collection method: clinical testing. Allele origin: germline.
Comment: This sequence change replaces threonine, which is neutral and polar, with isoleucine, which is neutral and non-polar, at codon 1056 of the DSG2 protein (p.Thr1056Ile). This variant is present in population databases (rs767538450, gnomAD 0.004%). This missense change has been observed in individual(s) with arrhythmogenic right ventricular cardiomyopathy or dilated cardiomyopathy (PMID: 21606390, 31983221). ClinVar contains an entry for this variant (Variation ID: 199821). Invitae Evidence Modeling of protein sequence and biophysical properties (such as structural, functional, and spatial information, amino acid conservation, physicochemical variation, residue mobility, and thermodynamic stability) indicates that this missense variant is not expected to disrupt DSG2 protein function with a negative predictive value of 95%. In summary, the available evidence is currently insufficient to determine the role of this variant in disease. Therefore, it has been classified as a Variant of Uncertain Significance.

GeneDx
Classification: Uncertain significance. Last evaluated: 2024-11-05. Review status: criteria provided, single submitter. Criteria: GeneDx Variant Classification Process June 2021. Collection method: clinical testing. Allele origin: germline. Affected: yes.
Comment: Identified in patients with ARVC, DCM, and Sudden Arrhythmic Death Syndrome (SADS) in published literature (PMID: 25351510, 31983221, 26498160, 21606390); Not observed at significant frequency in large population cohorts (gnomAD); In silico analysis indicates that this missense variant does not alter protein structure/function; This variant is associated with the following publications: (PMID: 31402444, 31983221, 21606390, 26498160, 25351510)

All of Us Research Program, National Institutes of Health
Classification: Uncertain significance for Arrhythmogenic right ventricular cardiomyopathy. Last evaluated: 2024-07-20. Review status: criteria provided, single submitter. Criteria: ACMG Guidelines, 2015. Collection method: clinical testing. Allele origin: germline. Inheritance: Autosomal dominant inheritance. Observed: 15 variant alleles, 15 heterozygotes.
Comment: This missense variant replaces threonine with isoleucine at codon 1056 of the DSG2 protein. Computational prediction suggests that this variant may not impact protein structure and function (internally defined REVEL score threshold <= 0.5, PMID: 27666373). To our knowledge, functional studies have not been reported for this variant. This variant has been reported in an individual affected with arrhythmogenic right ventricular cardiomyopathy (PMID: 21606390) and in an individual affected with dilated cardiomyopathy (PMID: 31983221). This variant has been identified in 5/249434 chromosomes in the general population by the Genome Aggregation Database (gnomAD). The available evidence is insufficient to determine the role of this variant in disease conclusively. Therefore, this variant is classified as a Variant of Uncertain Significance.

This study involves interpretation of variants in research participants for the purpose of population health screening. Participant phenotype was not available at the time of variant classification. Additional details can be found in publication PMID: 35346344, PMCID: PMC8962531

Color Diagnostics, LLC DBA Color Health
Classification: Uncertain significance for Cardiomyopathy. Last evaluated: 2024-07-10. Review status: criteria provided, single submitter. Criteria: ACMG Guidelines, 2015. Collection method: clinical testing. Allele origin: germline.
Comment: This missense variant replaces threonine with isoleucine at codon 1056 of the DSG2 protein. Computational prediction suggests that this variant may not impact protein structure and function (internally defined REVEL score threshold <= 0.5, PMID: 27666373). To our knowledge, functional studies have not been reported for this variant. This variant has been reported in an individual affected with arrhythmogenic right ventricular cardiomyopathy (PMID: 21606390) and in an individual affected with dilated cardiomyopathy (PMID: 31983221). This variant has been identified in 5/249434 chromosomes in the general population by the Genome Aggregation Database (gnomAD). The available evidence is insufficient to determine the role of this variant in disease conclusively. Therefore, this variant is classified as a Variant of Uncertain Significance.

Ambry Genetics
Classification: Uncertain significance for Cardiovascular phenotype. Last evaluated: 2023-03-14. Review status: criteria provided, single submitter. Criteria: Ambry Variant Classification Scheme 2023. Collection method: clinical testing. Allele origin: germline.
Comment: The p.T1056I variant (also known as c.3167C>T), located in coding exon 15 of the DSG2 gene, results from a C to T substitution at nucleotide position 3167. The threonine at codon 1056 is replaced by isoleucine, an amino acid with similar properties. This alteration has been reported in a hypertrophic cardiomyopathy cohort, a dilated cardiomyopathy cohort, a sudden arrhythmic death syndrome cohort, and an arrhythmogenic right ventricular cardiomyopathy cohort; however, clinical details were limited in these cases (Quarta G et al. Circulation, 2011 Jun;123:2701-9; Lopes LR et al. Heart, 2015 Feb;101:294-301; Nunn LM et al. Europace, 2016 Jun;18:888-96; Mazzarotto F et al. Circulation, 2020 Feb;141:387-398). This amino acid position is not well conserved in available vertebrate species. In addition, this alteration is predicted to be tolerated by in silico analysis. Since supporting evidence is limited at this time, the clinical significance of this alteration remains unclear.

Fulgent Genetics
Classification: Uncertain significance for Arrhythmogenic right ventricular dysplasia 10; Dilated cardiomyopathy 1BB. Last evaluated: 2021-10-04. Review status: criteria provided, single submitter. Criteria: ACMG Guidelines, 2015. Collection method: clinical testing. Allele origin: unknown.

Victorian Clinical Genetics Services, Murdoch Childrens Research Institute
Classification: Uncertain significance for Dilated cardiomyopathy 1BB. Last evaluated: 2020-06-11. Review status: criteria provided, single submitter. Criteria: ACMG Guidelines, 2015. Collection method: clinical testing. Allele origin: germline. Affected: yes.
Comment: Based on the classification scheme VCGS_Germline_v1.1.1, this variant is classified as 3B-VUS. Following criteria are met: 0103 - Both loss- and gain-of-function are known mechanisms of disease for this gene. Many pathogenic variants resulting in protein termination codons, suggest loss-of-function as the potential mechanism. However, functional studies of missense variants are consistent with a gain-of-function effect (PMID: 23071725). (N) 0108 - This gene is known to be associated with both recessive and dominant disease. Digenic inheritance is reported for both arrhythmogenic right ventricular cardiomyopathy (ARVC) and dilated cardiomyopathy (DCM), however DCM is more commonly associated with dominant disease (PMID: 28818065, 18678517). (N) 0112 - Variants in this gene are known to have reduced penetrance (OMIM). (N) 0200 - Variant is predicted to result in a missense amino acid change from a threonine to an isoleucine (exon 15). (N) 0251 - Variant is heterozygous. (N) 0302 - Variant is present in gnomAD <0.001 for a dominant condition (5 heterozygotes, 0 homozygotes). (P) 0503 - Missense variant consistently predicted to be tolerated or not conserved in mammals with a minor amino acid change. (B) 0604 - Variant is not located in an established domain, motif, hotspot or informative constraint region. (N) 0705 - No comparable variants have previous evidence for pathogenicity. (N) 0804 - Variant has previously been described as variant of uncertain significance in multiple independent cases of ARVC (ClinVar, PMID: 21606390). (N) 0905 - No segregation evidence has been identified for this variant. (N) 1007 - No published functional evidence has been identified for this variant. (N) 1208 - Inheritance information for this variant is not currently available. (N) Legend: (P) - Pathogenic, (N) - Neutral, (B) - Benign

CHEO Genetics Diagnostic Laboratory, Children's Hospital of Eastern Ontario
Classification: Uncertain significance for Cardiomyopathy. Last evaluated: 2017-09-19. Review status: criteria provided, single submitter. Criteria: ACMG Guidelines, 2015. Collection method: clinical testing. Allele origin: germline. Study: Canadian Open Genetics Repository.

Laboratory for Molecular Medicine, Mass General Brigham Personalized Medicine
Classification: Uncertain significance. Last evaluated: 2016-06-16. Review status: criteria provided, single submitter. Criteria: LMM Criteria. Collection method: clinical testing. Allele origin: germline.
Comment: Variant identified in a genome or exome case(s) and assessed due to predicted null impact of the variant or pathogenic assertions in the literature or databases. Disclaimer: This variant has not undergone full assessment. The following are preliminary notes: Only 1 report; ClinVar: 1 VUS

Literature cited by the submitters: PubMed 21606390 (cited by 5 submitters); PubMed 31983221 (cited by 4 submitters); PubMed 25351510 (cited by Ambry Genetics); PubMed 26498160 (cited by Ambry Genetics); PubMed 18678517 (cited by Victorian Clinical Genetics Services, Murdoch Childrens Research Institute); PubMed 23071725 (cited by Victorian Clinical Genetics Services, Murdoch Childrens Research Institute); PubMed 28818065 (cited by Victorian Clinical Genetics Services, Murdoch Childrens Research Institute).